The following is an entry in ClinVar:

NM_033004.4(NLRP1):c.2833G>T (p.Gly945Trp)

Gene: NLRP1 (NLR family pyrin domain containing 1; minus strand). Cytogenetic location: 17p13.2.
Variant type: single nucleotide variant.
Coding change: c.2833G>T on transcript NM_033004.4 (MANE Select); coding-DNA position 2833, G replaced by T.
Protein change: p.Gly945Trp; replaces glycine 945 with tryptophan.
Molecular consequence: missense variant.
Genome position (GRCh38, 1-based): chr17:5,539,452, C>A on the plus strand (G>T on the coding strand, the complement: NLRP1 is on the minus strand). VCF-style: chr17-5539452-C-A. GRCh37 (hg19) VCF-style: chr17-5442772-C-A.
Other names: c.2833G>T, p.Gly945Trp (NM_001033053.3, NM_014922.5, NM_033006.4 and 1 more transcripts); short protein forms G945W.
Identifiers: ClinVar variation 3729556 (VCV003729556.2).

ClinVar aggregate classification (germline): Uncertain significance (1 of 4 stars; one submission).

Submission:

Labcorp Genetics (formerly Invitae), Labcorp
Classification: Uncertain significance. Last evaluated: 2025-01-29. Review status: criteria provided, single submitter. Criteria: Invitae Variant Classification Sherloc (09022015). Collection method: clinical testing. Allele origin: germline.
Comment: This sequence change replaces glycine, which is neutral and non-polar, with tryptophan, which is neutral and slightly polar, at codon 945 of the NLRP1 protein (p.Gly945Trp). This variant is not present in population databases (gnomAD no frequency). This variant has not been reported in the literature in individuals affected with NLRP1-related conditions. An algorithm developed to predict the effect of missense changes on protein structure and function (PolyPhen-2) suggests that this variant is likely to be disruptive. Algorithms developed to predict the effect of sequence changes on RNA splicing suggest that this variant may create or strengthen a splice site. In summary, the available evidence is currently insufficient to determine the role of this variant in disease. Therefore, it has been classified as a Variant of Uncertain Significance.